The following is an entry in ClinVar:

NM_001005361.3(DNM2):c.1196+773C>T

Gene: DNM2 (dynamin 2; plus strand). Cytogenetic location: 19p13.2.
Variant type: single nucleotide variant.
Coding change: c.1196+773C>T on transcript NM_001005361.3 (MANE Select); 773 bases into the intron after coding-DNA position 1196, C replaced by T.
Molecular consequence: intron variant.
Genome position (GRCh38, 1-based): chr19:10,796,212, C>T. VCF-style: chr19-10796212-C-T. GRCh37 (hg19) VCF-style: chr19-10906888-C-T.
Other names: c.1335+13C>T (NM_001005360.3, NM_001190716.2, NM_004945.4); c.1196+773C>T (NM_001005362.3).
Identifiers: ClinVar variation 327978 (VCV000327978.13), dbSNP rs150975494, ClinGen allele CA9201053.

ClinVar aggregate classification (germline): Benign. Review status: criteria provided, multiple submitters, no conflicts (2 of 4 stars). 4 submissions from 3 submitters: Benign (4). Last evaluated 2026-01-20.

Conditions:
Charcot-Marie-Tooth disease dominant intermediate B (CMTDIB). Also called: CHARCOT-MARIE-TOOTH NEUROPATHY, DOMINANT INTERMEDIATE B; Charcot-Marie-Tooth disease dominant intermediate 1; CMT DI1; Charcot-Marie-Tooth disease dominant intermediate I. Identifiers: Orphanet 100044, Orphanet 228179, MedGen C1847902, MONDO:0011674, OMIM 606482.
Autosomal dominant centronuclear myopathy. Also called: MYOTUBULAR MYOPATHY, AUTOSOMAL DOMINANT; Myopathy, centronuclear, 3. Identifiers: Orphanet 169189, MedGen C4551952, MeSH D020914, MONDO:0008048, OMIM 160150.

Allele frequency attached by ClinVar (database versions not stated): gnomAD exomes 0.00057 and 0.00147; ExAC 0.00178; 1000 Genomes Project 0.00399; 1000 Genomes Project 30x 0.00453; gnomAD 0.00589 and 0.00628; ESP Exome Variant Server 0.00615; TOPMed 0.00657.
gnomAD v4.1: 1,744 of 1,613,872 alleles (0.11%); highest among the groups gnomAD compares: African/African-American, 2.1%; 26 homozygotes.

Submissions (4):

Labcorp Genetics (formerly Invitae), Labcorp
Classification: Benign for Charcot-Marie-Tooth disease dominant intermediate B. Last evaluated: 2026-01-20. Review status: criteria provided, single submitter. Criteria: Invitae Variant Classification Sherloc (09022015). Collection method: clinical testing. Allele origin: germline.

Illumina Laboratory Services, Illumina
Classification: Benign for Charcot-Marie-Tooth disease dominant intermediate B. Last evaluated: 2018-01-13. Review status: criteria provided, single submitter. Criteria: ICSL Variant Classification Criteria 13 December 2019. Collection method: clinical testing. Allele origin: germline.
Comment: This variant was observed in the ICSL laboratory as part of a predisposition screen in an ostensibly healthy population. It had not been previously curated by ICSL or reported in the Human Gene Mutation Database (HGMD: prior to June 1st, 2018), and was therefore a candidate for classification through an automated scoring system. Utilizing variant allele frequency, disease prevalence and penetrance estimates, and inheritance mode, an automated score was calculated to assess if this variant is too frequent to cause the disease. Based on the score and internal cut-off values, a variant classified as benign is not then subjected to further curation. The score for this variant resulted in a classification of benign for this disease.

Illumina Laboratory Services, Illumina
Classification: Benign for Autosomal dominant centronuclear myopathy. Last evaluated: 2018-01-13. Review status: criteria provided, single submitter. Criteria: ICSL Variant Classification Criteria 13 December 2019. Collection method: clinical testing. Allele origin: germline.
Comment: the same text as in the submission from Illumina Laboratory Services, Illumina above.

GeneDx
Classification: Benign. Last evaluated: 2015-05-13. Review status: criteria provided, single submitter. Criteria: GeneDx Variant Classification (06012015). Collection method: clinical testing. Allele origin: germline. Affected: yes.
Comment: This variant is considered likely benign or benign based on one or more of the following criteria: it is a conservative change, it occurs at a poorly conserved position in the protein, it is predicted to be benign by multiple in silico algorithms, and/or has population frequency not consistent with disease.